The following is an entry in ClinVar:

NM_015272.5(RPGRIP1L):c.2304+166_2304+167del

Gene: RPGRIP1L (RPGRIP1 like; minus strand). Cytogenetic location: 16q12.2.
Variant type: Deletion.
Coding change: c.2304+166_2304+167del on transcript NM_015272.5 (MANE Select); bases 166 to 167 of the intron after coding-DNA position 2304, 2 bases deleted (AA; older notation c.2304+166_2304+167delAA).
Molecular consequence: intron variant.
Genome position (GRCh38, 1-based): chr16:53,648,797-53,648,798, TT deleted on the plus strand (AA on the coding strand, the reverse complement: RPGRIP1L is on the minus strand); deleting any 2 consecutive bases within chr16:53,648,797-53,648,799 gives the same sequence; the c. name uses the placement nearest the transcript's 3' end. VCF-style (leftmost placement, unchanged base first): chr16-53648796-CTT-C. GRCh37 (hg19) VCF-style: chr16-53682708-CTT-C.
Other names: c.2304+166_2304+167del (NM_001127897.4, NM_001330538.2, NM_001308334.3).
Identifiers: ClinVar variation 670892 (VCV000670892.1), dbSNP rs140498865, ClinGen allele CA281341653.

ClinVar aggregate classification (germline): Benign (1 of 4 stars; one submission).

Submission:

GeneDx
Classification: Benign. Last evaluated: 2018-06-16. Review status: criteria provided, single submitter. Criteria: GeneDx Variant Classification (06012015). Collection method: clinical testing. Allele origin: germline. Affected: yes.
Comment: This variant is considered likely benign or benign based on one or more of the following criteria: it is a conservative change, it occurs at a poorly conserved position in the protein, it is predicted to be benign by multiple in silico algorithms, and/or has population frequency not consistent with disease.